The following is an entry in ClinVar:

ClinVar aggregate classification (germline): Uncertain significance (1 of 4 stars; one submission).

Conditions:
Kabuki syndrome. Also called: Kabuki make-up syndrome; NIIKAWA-KUROKI SYNDROME. Identifiers: Orphanet 2322, MedGen C0796004, MONDO:0016512.

Submission:

Labcorp Genetics (formerly Invitae), Labcorp
Classification: Uncertain significance for Kabuki syndrome. Last evaluated: 2022-06-02. Review status: criteria provided, single submitter. Criteria: Invitae Variant Classification Sherloc (09022015). Collection method: clinical testing. Allele origin: germline.
Comment: This sequence change replaces proline, which is neutral and non-polar, with arginine, which is basic and polar, at codon 4177 of the KMT2D protein (p.Pro4177Arg). This variant is not present in population databases (gnomAD no frequency). This variant has not been reported in the literature in individuals affected with KMT2D-related conditions. Advanced modeling of protein sequence and biophysical properties (such as structural, functional, and spatial information, amino acid conservation, physicochemical variation, residue mobility, and thermodynamic stability) performed at Invitae indicates that this missense variant is not expected to disrupt KMT2D protein function. In summary, the available evidence is currently insufficient to determine the role of this variant in disease. Therefore, it has been classified as a Variant of Uncertain Significance.

NM_003482.4(KMT2D):c.12530C>G (p.Pro4177Arg)

Gene: KMT2D (lysine methyltransferase 2D; minus strand). Cytogenetic location: 12q13.12.
Variant type: single nucleotide variant.
Coding change: c.12530C>G on transcript NM_003482.4 (MANE Select); coding-DNA position 12530, C replaced by G.
Protein change: p.Pro4177Arg; replaces proline 4177 with arginine.
Molecular consequence: missense variant.
Genome position (GRCh38, 1-based): chr12:49,032,175, G>C on the plus strand (C>G on the coding strand, the complement: KMT2D is on the minus strand). VCF-style: chr12-49032175-G-C. GRCh37 (hg19) VCF-style: chr12-49425958-G-C.
Other names: short protein forms P4177R.
Identifiers: ClinVar variation 2002059 (VCV002002059.4), dbSNP rs1450999861, ClinGen allele CA384710981.